The following is an entry in ClinVar:

NM_001999.4(FBN2):c.5703C>T (p.Asn1901=)

Gene: FBN2 (fibrillin 2; minus strand). Cytogenetic location: 5q23.3.
Variant type: single nucleotide variant.
Coding change: c.5703C>T on transcript NM_001999.4 (MANE Select); coding-DNA position 5703, C replaced by T.
Protein change: p.Asn1901=; no amino-acid change (asparagine 1901 retained).
Molecular consequence: synonymous variant.
Genome position (GRCh38, 1-based): chr5:128,305,054, G>A on the plus strand (C>T on the coding strand, the complement: FBN2 is on the minus strand). VCF-style: chr5-128305054-G-A. GRCh37 (hg19) VCF-style: chr5-127640746-G-A.
Identifiers: ClinVar variation 391848 (VCV000391848.13), dbSNP rs746592808, ClinGen allele CA3394616.

ClinVar aggregate classification (germline): Likely benign. Review status: criteria provided, multiple submitters, no conflicts (2 of 4 stars). 3 submissions from 3 submitters: Likely benign (3). Last evaluated 2025-08-30.

Conditions:
Congenital contractural arachnodactyly (CCA). Also called: BEALS SYNDROME; Beals-Hecht syndrome; Arthrogryposis, distal, type 9. Identifiers: Orphanet 115, MedGen C0220668, MONDO:0007363, OMIM 121050.
Familial thoracic aortic aneurysm and aortic dissection (TAAD). Also called: Thoracic aortic aneurysms and dissections. Identifiers: Orphanet 91387, MedGen C4707243, MONDO:0019625.

Allele frequency attached by ClinVar (database versions not stated): TOPMed below 0.00001; ExAC 0.00001; gnomAD exomes 0.00002.
gnomAD v4.1: 20 of 1,612,392 alleles (0.0012%); highest among the groups gnomAD compares: East Asian, 0.013%; no homozygotes.

Submissions (3):

Labcorp Genetics (formerly Invitae), Labcorp
Classification: Likely benign for Congenital contractural arachnodactyly. Last evaluated: 2025-08-30. Review status: criteria provided, single submitter. Criteria: Invitae Variant Classification Sherloc (09022015). Collection method: clinical testing. Allele origin: germline.

Ambry Genetics
Classification: Likely benign for Familial thoracic aortic aneurysm and aortic dissection. Last evaluated: 2021-08-23. Review status: criteria provided, single submitter. Criteria: Ambry Variant Classification Scheme 2023. Collection method: clinical testing. Allele origin: germline.

GeneDx
Classification: Likely benign. Last evaluated: 2016-12-19. Review status: criteria provided, single submitter. Criteria: GeneDx Variant Classification (06012015). Collection method: clinical testing. Allele origin: germline. Affected: yes.
Comment: This variant is considered likely benign or benign based on one or more of the following criteria: it is a conservative change, it occurs at a poorly conserved position in the protein, it is predicted to be benign by multiple in silico algorithms, and/or has population frequency not consistent with disease.